The following is an entry in ClinVar:

ClinVar aggregate classification (germline): Uncertain significance. Review status: criteria provided, multiple submitters, no conflicts (2 of 4 stars). 2 submissions from 2 submitters: Uncertain significance (2). Last evaluated 2024-03-15.

Conditions:
Inborn genetic diseases. Identifiers: MedGen C0950123, MeSH D030342.

Allele frequency attached by ClinVar (database versions not stated): gnomAD exomes 0.00001 and 0.00002; ExAC 0.00002.
gnomAD v4.1: 23 of 1,614,184 alleles (0.0014%); highest among the groups gnomAD compares: Middle Eastern, 0.016%; no homozygotes.

Submissions (2):

Labcorp Genetics (formerly Invitae), Labcorp
Classification: Uncertain significance. Last evaluated: 2024-03-15. Review status: criteria provided, single submitter. Criteria: Invitae Variant Classification Sherloc (09022015). Collection method: clinical testing. Allele origin: germline.
Comment: This sequence change replaces leucine, which is neutral and non-polar, with phenylalanine, which is neutral and non-polar, at codon 1258 of the TTLL5 protein (p.Leu1258Phe). This variant is present in population databases (rs755399179, gnomAD 0.02%). This variant has not been reported in the literature in individuals affected with TTLL5-related conditions. ClinVar contains an entry for this variant (Variation ID: 953385). Algorithms developed to predict the effect of missense changes on protein structure and function output the following: SIFT: "Not Available"; PolyPhen-2: "Benign"; Align-GVGD: "Not Available". The phenylalanine amino acid residue is found in multiple mammalian species, which suggests that this missense change does not adversely affect protein function. In summary, the available evidence is currently insufficient to determine the role of this variant in disease. Therefore, it has been classified as a Variant of Uncertain Significance.

Ambry Genetics
Classification: Uncertain significance for Inborn genetic diseases. Last evaluated: 2023-01-31. Review status: criteria provided, single submitter. Criteria: Ambry Variant Classification Scheme 2023. Collection method: clinical testing. Allele origin: germline.

NM_015072.5(TTLL5):c.3772C>T (p.Leu1258Phe)

Gene: TTLL5 (tubulin tyrosine ligase like 5; plus strand). Cytogenetic location: 14q24.3.
Variant type: single nucleotide variant.
Coding change: c.3772C>T on transcript NM_015072.5 (MANE Select); coding-DNA position 3772, C replaced by T.
Protein change: p.Leu1258Phe; replaces leucine 1258 with phenylalanine.
Molecular consequence: missense variant.
Genome position (GRCh38, 1-based): chr14:75,902,173, C>T. VCF-style: chr14-75902173-C-T. GRCh37 (hg19) VCF-style: chr14-76368516-C-T.
Other names: short protein forms L1258F.
Identifiers: ClinVar variation 953385 (VCV000953385.11), dbSNP rs755399179, ClinGen allele CA7280161.